The following is an entry in ClinVar:

NM_005138.3(SCO2):c.738G>C (p.Ser246=)

Genes: NCAPH2 (non-SMC condensin II complex subunit H2; plus strand), SCO2 (synthesis of cytochrome C oxidase 2; minus strand). Cytogenetic location: 22q13.33.
Variant type: single nucleotide variant.
Coding change: c.738G>C on transcript NM_005138.3 (MANE Select); coding-DNA position 738, G replaced by C.
Protein change: p.Ser246=; no amino-acid change (serine 246 retained).
Molecular consequence: synonymous variant. On other transcripts: 3 prime UTR variant (2).
Genome position (GRCh38, 1-based): chr22:50,523,674, C>G on the plus strand (G>C on the coding strand, the complement: SCO2 is on the minus strand). VCF-style: chr22-50523674-C-G. GRCh37 (hg19) VCF-style: chr22-50962103-C-G.
Other names: p.Ser246=; c.*299C>G (NM_001185011.2, NM_152299.4); c.738G>C, p.Ser246= (NM_001169109.2, NM_001169110.1, NM_001169111.2).
Identifiers: ClinVar variation 342123 (VCV000342123.17), dbSNP rs200605042, ClinGen allele CA10321124.

ClinVar aggregate classification (germline): Conflicting classifications of pathogenicity. Review status: criteria provided, conflicting classifications (1 of 4 stars). 6 submissions from 5 submitters: Uncertain significance (2); Likely benign (3). 1 of the submissions does not count toward it. Last evaluated 2026-02-01.

Conditions:
SCO2-related disorder. Also called: SCO2-related condition.
Cardioencephalomyopathy, fatal infantile, due to cytochrome c oxidase deficiency 1 (MC4DN2). Also called: CYTOCHROME c OXIDASE DEFICIENCY, FATAL INFANTILE, WITH CARDIOENCEPHALOMYOPATHY; MITOCHONDRIAL COMPLEX IV DEFICIENCY, NUCLEAR TYPE 2. Identifiers: Orphanet 1561, MedGen C5399977, MONDO:0011451, OMIM 604377.
Mitochondrial complex IV deficiency, nuclear type 1 (MC4DN1). Also called: Mitochondrial complex IV deficiency; Complex 4 mitochondrial respiratory chain deficiency; Deficiency of mitochondrial respiratory chain complex4; Complex IV deficiency; COX DEFICIENCY. Identifiers: MedGen C5435656, MONDO:0700250, OMIM 220110. Disease mechanism: loss of function.

Allele frequency attached by ClinVar (database versions not stated): TOPMed 0.00009.

Submissions (6):

Labcorp Genetics (formerly Invitae), Labcorp
Classification: Likely benign. Last evaluated: 2026-02-01. Review status: criteria provided, single submitter. Criteria: Invitae Variant Classification Sherloc (09022015). Collection method: clinical testing. Allele origin: germline.

Mayo Clinic Laboratories, Mayo Clinic
Classification: Likely benign. Last evaluated: 2025-06-09. Review status: criteria provided, single submitter. Criteria: ACMG Guidelines, 2015. Collection method: clinical testing. Allele origin: germline. Observed: 1 variant allele.
Comment: BP4, BP7

Blueprint Genetics
Classification: Likely benign. Last evaluated: 2024-09-25. Review status: criteria provided, single submitter. Criteria: ACMG Guidelines, 2015. Collection method: clinical testing. Allele origin: germline.

Illumina Laboratory Services, Illumina
Classification: Uncertain significance for Cardioencephalomyopathy, fatal infantile, due to cytochrome c oxidase deficiency 1. Last evaluated: 2018-01-12. Review status: criteria provided, single submitter. Criteria: ICSL Variant Classification Criteria 13 December 2019. Collection method: clinical testing. Allele origin: germline.

Illumina Laboratory Services, Illumina
Classification: Uncertain significance for Mitochondrial complex IV deficiency, nuclear type 1. Last evaluated: 2018-01-12. Review status: criteria provided, single submitter. Criteria: ICSL Variant Classification Criteria 13 December 2019. Collection method: clinical testing. Allele origin: germline.

PreventionGenetics, part of Exact Sciences
Classification: Likely benign for SCO2-related condition. Last evaluated: 2019-06-06. Review status: no assertion criteria provided. Collection method: clinical testing. Allele origin: germline. Not counted in ClinVar's aggregate classification.
Comment: This variant is classified as likely benign based on ACMG/AMP sequence variant interpretation guidelines (Richards et al. 2015 PMID: 25741868, with internal and published modifications).